The following is an entry in ClinVar:

NM_012330.4(KAT6B):c.1813A>C (p.Ser605Arg)

Gene: KAT6B (lysine acetyltransferase 6B; plus strand). Cytogenetic location: 10q22.2.
Variant type: single nucleotide variant.
Coding change: c.1813A>C on transcript NM_012330.4 (MANE Select); coding-DNA position 1813, A replaced by C.
Protein change: p.Ser605Arg; replaces serine 605 with arginine.
Molecular consequence: missense variant. On other transcripts: intron variant (13).
Genome position (GRCh38, 1-based): chr10:74,976,150, A>C. VCF-style: chr10-74976150-A-C. GRCh37 (hg19) VCF-style: chr10-76735908-A-C.
Other names: c.1813A>C, p.Ser605Arg (NM_001370136.1, NM_001370137.1); c.1117+696A>C (NM_001370139.1, NM_001370140.1, NM_001370141.1 and 3 more transcripts); c.1444+369A>C (NM_001370138.1, NM_001256468.2); c.846+6375A>C (NM_001370133.1); c.193-3074A>C (NM_001370134.1); c.929-1166A>C (NM_001370143.1, NM_001370144.1); c.193-12869A>C (NM_001370135.1); short protein forms S605R.
Identifiers: ClinVar variation 1503912 (VCV001503912.8), dbSNP rs2133730853, ClinGen allele CA377288469.

ClinVar aggregate classification (germline): Uncertain significance (1 of 4 stars; one submission).

Conditions:
Genitopatellar syndrome (GTPTS). Also called: Genitopatellar syndrome (GPS); ABSENT PATELLAE, SCROTAL HYPOPLASIA, RENAL ANOMALIES, FACIAL DYSMORPHISM, AND MENTAL RETARDATION. Identifiers: Orphanet 85201, MedGen C1853566, MONDO:0011640, OMIM 606170.

Submission:

Labcorp Genetics (formerly Invitae), Labcorp
Classification: Uncertain significance for Genitopatellar syndrome. Last evaluated: 2021-06-06. Review status: criteria provided, single submitter. Criteria: Invitae Variant Classification Sherloc (09022015). Collection method: clinical testing. Allele origin: germline.
Comment: In summary, the available evidence is currently insufficient to determine the role of this variant in disease. Therefore, it has been classified as a Variant of Uncertain Significance. Algorithms developed to predict the effect of missense changes on protein structure and function (SIFT, PolyPhen-2, Align-GVGD) all suggest that this variant is likely to be tolerated, but these predictions have not been confirmed by published functional studies and their clinical significance is uncertain. This variant has not been reported in the literature in individuals with KAT6B-related conditions. This variant is not present in population databases (ExAC no frequency). This sequence change replaces serine with arginine at codon 605 of the KAT6B protein (p.Ser605Arg). The serine residue is weakly conserved and there is a moderate physicochemical difference between serine and arginine.